The following is an entry in ClinVar:

NM_006415.4(SPTLC1):c.*178T>A

Gene: SPTLC1 (serine palmitoyltransferase long chain base subunit 1; minus strand). Cytogenetic location: 9q22.31.
Variant type: single nucleotide variant.
Coding change: c.*178T>A on transcript NM_006415.4 (MANE Select); 178 bases downstream of the stop codon, T replaced by A.
Molecular consequence: 3 prime UTR variant.
Genome position (GRCh38, 1-based): chr9:92,032,287, A>T on the plus strand (T>A on the coding strand, the complement: SPTLC1 is on the minus strand). VCF-style: chr9-92032287-A-T. GRCh37 (hg19) VCF-style: chr9-94794569-A-T.
Other names: c.*26T>A (NM_001281303.2); c.*178T>A (NM_001368272.1, NM_001368273.1).
Identifiers: ClinVar variation 367541 (VCV000367541.5), dbSNP rs184220566, ClinGen allele CA5121163.
Genomic context (GRCh38, chr9:92,032,287, plus strand): 5'-TGTCATTAGTTTTCCTCTTAAAAAAATCAGTTCCTGGGCTTTTAGATGTGTTTTCTTTTT[A>T]AAAAAAATAAGCATCCTTCTCATGGTCACACAATTGGTCCATACTGACACCATTTGGTAA-3'

ClinVar aggregate classification (germline): Benign (1 of 4 stars; one submission).

Conditions:
Neuropathy, hereditary sensory and autonomic, type 1A (HSAN1A). Also called: NEUROPATHY, HEREDITARY SENSORY AND AUTONOMIC, TYPE IA; HSAN IA; HSN IA; NEUROPATHY, HEREDITARY SENSORY RADICULAR, AUTOSOMAL DOMINANT, TYPE 1A; SPTLC1-Related Hereditary Sensory Neuropathy. Identifiers: MedGen C5235211, MONDO:0008086, OMIM 162400.

Allele frequency attached by ClinVar (database versions not stated): ExAC 0.00048; gnomAD exomes 0.00070 and 0.00073; gnomAD 0.00088 and 0.00090; TOPMed 0.00092; 1000 Genomes Project 0.00140.
gnomAD v4.1: 1,092 of 1,529,302 alleles (0.071%); highest among the groups gnomAD compares: Admixed American, 0.28%; 2 homozygotes.

Submission:

Illumina Laboratory Services, Illumina
Classification: Benign for Neuropathy, hereditary sensory and autonomic, type 1A. Last evaluated: 2018-01-13. Review status: criteria provided, single submitter. Criteria: ICSL Variant Classification Criteria 13 December 2019. Collection method: clinical testing. Allele origin: germline.
Comment: This variant was observed in the ICSL laboratory as part of a predisposition screen in an ostensibly healthy population. It had not been previously curated by ICSL or reported in the Human Gene Mutation Database (HGMD: prior to June 1st, 2018), and was therefore a candidate for classification through an automated scoring system. Utilizing variant allele frequency, disease prevalence and penetrance estimates, and inheritance mode, an automated score was calculated to assess if this variant is too frequent to cause the disease. Based on the score and internal cut-off values, a variant classified as benign is not then subjected to further curation. The score for this variant resulted in a classification of benign for this disease.